The following is an entry in ClinVar:

NM_001904.4(CTNNB1):c.2076+6G>A

Gene: CTNNB1 (catenin beta 1; plus strand). Cytogenetic location: 3p22.1.
Variant type: single nucleotide variant.
Coding change: c.2076+6G>A on transcript NM_001904.4 (MANE Select); 6 bases into the intron after coding-DNA position 2076, G replaced by A.
Molecular consequence: intron variant.
Genome position (GRCh38, 1-based): chr3:41,236,715, G>A. VCF-style: chr3-41236715-G-A. GRCh37 (hg19) VCF-style: chr3-41278206-G-A.
Other names: c.2055+6G>A (NM_001330729.2); c.2076+6G>A (NM_001098209.2, NM_001098210.2).
Identifiers: ClinVar variation 1508444 (VCV001508444.6), dbSNP rs2078445227, ClinGen allele CA1047156579.

ClinVar aggregate classification (germline): Uncertain significance (1 of 4 stars; one submission).

Allele frequency attached by ClinVar (database versions not stated): gnomAD 0.00001; gnomAD exomes 0.00001; TOPMed 0.00002.
gnomAD v4.1: 14 of 1,613,952 alleles (0.00087%); highest among the groups gnomAD compares: East Asian, 0.0022%; no homozygotes.

Submission:

Labcorp Genetics (formerly Invitae), Labcorp
Classification: Uncertain significance. Last evaluated: 2023-11-27. Review status: criteria provided, single submitter. Criteria: Invitae Variant Classification Sherloc (09022015). Collection method: clinical testing. Allele origin: germline.
Comment: This sequence change falls in intron 13 of the CTNNB1 gene. It does not directly change the encoded amino acid sequence of the CTNNB1 protein. It affects a nucleotide within the consensus splice site. This variant is not present in population databases (gnomAD no frequency). This variant has not been reported in the literature in individuals affected with CTNNB1-related conditions. ClinVar contains an entry for this variant (Variation ID: 1508444). Variants that disrupt the consensus splice site are a relatively common cause of aberrant splicing (PMID: 17576681, 9536098). Algorithms developed to predict the effect of sequence changes on RNA splicing suggest that this variant is not likely to affect RNA splicing. In summary, the available evidence is currently insufficient to determine the role of this variant in disease. Therefore, it has been classified as a Variant of Uncertain Significance.

Literature cited by the submitters: PubMed 17576681; PubMed 9536098.